The following is an entry in ClinVar:

ClinVar aggregate classification (germline): Benign. Review status: criteria provided, multiple submitters, no conflicts (2 of 4 stars). 4 submissions from 4 submitters: Benign (3). 1 of the submissions does not count toward it. Last evaluated 2026-02-01.

Conditions:
Neonatal encephalomyopathy-cardiomyopathy-respiratory distress syndrome. Also called: Coenzyme Q10 deficiency, primary, 7. Identifiers: Orphanet 457185, MedGen C5568562, MONDO:0014562, OMIM 616276.

Allele frequency attached by ClinVar (database versions not stated): gnomAD exomes 0.00691 and 0.00568; 1000 Genomes Project 30x 0.00812; 1000 Genomes Project 0.00919; ExAC 0.01722; ESP Exome Variant Server 0.00254; gnomAD 0.00268 and 0.00373; TOPMed 0.00331.
gnomAD v4.1: 8,673 of 1,582,382 alleles (0.55%); highest among the groups gnomAD compares: South Asian, 3.3%; 87 homozygotes.

Submissions (4):

Labcorp Genetics (formerly Invitae), Labcorp
Classification: Benign for Neonatal encephalomyopathy-cardiomyopathy-respiratory distress syndrome. Last evaluated: 2026-02-01. Review status: criteria provided, single submitter. Criteria: Invitae Variant Classification Sherloc (09022015). Collection method: clinical testing. Allele origin: germline.

GeneDx
Classification: Benign. Last evaluated: 2016-05-20. Review status: criteria provided, single submitter. Criteria: GeneDx Variant Classification (06012015). Collection method: clinical testing. Allele origin: germline. Affected: yes.
Comment: This variant is considered likely benign or benign based on one or more of the following criteria: it is a conservative change, it occurs at a poorly conserved position in the protein, it is predicted to be benign by multiple in silico algorithms, and/or has population frequency not consistent with disease.

Breakthrough Genomics
Classification: Benign. Review status: criteria provided, single submitter. Criteria: ACMG Guidelines, 2015. Collection method: not provided. Allele origin: germline. Inheritance: Autosomal recessive inheritance. Affected: yes.

Mayo Clinic Laboratories, Mayo Clinic
Classification: Likely benign. Last evaluated: 2016-02-23. Review status: no assertion criteria provided. Collection method: clinical testing. Allele origin: unknown. Not counted in ClinVar's aggregate classification.

NM_016035.5(COQ4):c.424G>A (p.Ala142Thr)

Gene: COQ4 (coenzyme Q4; plus strand). Cytogenetic location: 9q34.11.
Variant type: single nucleotide variant.
Coding change: c.424G>A on transcript NM_016035.5 (MANE Select); coding-DNA position 424, G replaced by A.
Protein change: p.Ala142Thr; replaces alanine 142 with threonine.
Molecular consequence: missense variant. On other transcripts: intron variant (1).
Genome position (GRCh38, 1-based): chr9:128,332,174, G>A. VCF-style: chr9-128332174-G-A. GRCh37 (hg19) VCF-style: chr9-131094453-G-A.
Other names: c.3-1300G>A (NM_001305942.2); short protein forms A142T.
Identifiers: ClinVar variation 383917 (VCV000383917.15), dbSNP rs34043652, ClinGen allele CA5260572.
Genomic context (GRCh38, chr9:128,332,174, plus strand): 5'-CCATCAGGAAGGGTTCTAGGGGAGGCTCATGGTTGTCAGAGGGTCTCCCCAGACACCCGA[G>A]CACCCACCCGCTTCGTGGATGATGAGGAGCTAGCGTATGTGATTCAGCGGTACCGGGAGG-3'
Protein context (NP_057119.3, residues 132-152): DVNRVSPDTR[Ala142Thr]PTRFVDDEEL